The following is an entry in ClinVar:

ClinVar aggregate classification (germline): Uncertain significance. Review status: criteria provided, multiple submitters, no conflicts (2 of 4 stars). 2 submissions from 2 submitters: Uncertain significance (2). Last evaluated 2024-09-10.

Conditions:
Arrhythmogenic right ventricular dysplasia 13. Also called: Arrhythmogenic right ventricular dysplasia, familial, 13; ARRHYTHMOGENIC RIGHT VENTRICULAR CARDIOMYOPATHY 13. Identifiers: MedGen C3810138, MONDO:0000908, OMIM 615616.

Allele frequency attached by ClinVar (database versions not stated): gnomAD 0.00001; TOPMed 0.00001; ExAC 0.00002; gnomAD exomes 0.00002.
gnomAD v4.1: 25 of 1,613,886 alleles (0.0015%); highest among the groups gnomAD compares: South Asian, 0.022%; 1 homozygote.

Submissions (2):

Labcorp Genetics (formerly Invitae), Labcorp
Classification: Uncertain significance for Arrhythmogenic right ventricular dysplasia 13. Last evaluated: 2024-09-10. Review status: criteria provided, single submitter. Criteria: Invitae Variant Classification Sherloc (09022015). Collection method: clinical testing. Allele origin: germline.
Comment: This sequence change replaces alanine, which is neutral and non-polar, with threonine, which is neutral and polar, at codon 810 of the CTNNA3 protein (p.Ala810Thr). This variant is present in population databases (rs771503939, gnomAD 0.02%). This variant has not been reported in the literature in individuals affected with CTNNA3-related conditions. Invitae Evidence Modeling of protein sequence and biophysical properties (such as structural, functional, and spatial information, amino acid conservation, physicochemical variation, residue mobility, and thermodynamic stability) indicates that this missense variant is not expected to disrupt CTNNA3 protein function with a negative predictive value of 80%. In summary, the available evidence is currently insufficient to determine the role of this variant in disease. Therefore, it has been classified as a Variant of Uncertain Significance.

Ambry Genetics
Classification: Uncertain significance. Last evaluated: 2024-03-14. Review status: criteria provided, single submitter. Criteria: Ambry Variant Classification Scheme 2023. Collection method: clinical testing. Allele origin: germline.
Comment: The p.A810T variant (also known as c.2428G>A), located in coding exon 17 of the CTNNA3 gene, results from a G to A substitution at nucleotide position 2428. The alanine at codon 810 is replaced by threonine, an amino acid with similar properties. This amino acid position is conserved. In addition, the in silico prediction for this alteration is inconclusive. Based on the available evidence, the clinical significance of this alteration remains unclear.

NM_013266.4(CTNNA3):c.2428G>A (p.Ala810Thr)

Gene: CTNNA3 (catenin alpha 3; minus strand). Cytogenetic location: 10q21.3.
Variant type: single nucleotide variant.
Coding change: c.2428G>A on transcript NM_013266.4 (MANE Select); coding-DNA position 2428, G replaced by A.
Protein change: p.Ala810Thr; replaces alanine 810 with threonine.
Molecular consequence: missense variant.
Genome position (GRCh38, 1-based): chr10:65,920,590, C>T on the plus strand (G>A on the coding strand, the complement: CTNNA3 is on the minus strand). VCF-style: chr10-65920590-C-T. GRCh37 (hg19) VCF-style: chr10-67680348-C-T.
Other names: c.2428G>A, p.Ala810Thr (NM_001127384.3); short protein forms A810T.
Identifiers: ClinVar variation 3226237 (VCV003226237.3), dbSNP rs771503939, ClinGen allele CA5519581.